The following is an entry in ClinVar:

ClinVar aggregate classification (germline): other (0 of 4 stars; one submission).

Conditions:
Familial colorectal cancer. Identifiers: MedGen CN280943, MONDO:0023113. Disease mechanism: loss of function.

Submission:

Systems Biology Platform Zhejiang California International NanoSystems Institute
Classification: other for Familial colorectal cancer. Review status: no assertion criteria provided. Collection method: not provided. Allele origin: unknown.
ClinVar note: Converted during submission from cancer to other.

NM_000038.6(APC):c.729+969C>A

Gene: APC (APC regulator of WNT signaling pathway; plus strand). Cytogenetic location: 5q22.2.
Variant type: single nucleotide variant.
Coding change: c.729+969C>A on transcript NM_000038.6 (MANE Select); 969 bases into the intron after coding-DNA position 729, C replaced by A.
Molecular consequence: intron variant.
Genome position (GRCh38, 1-based): chr5:112,793,498, C>A. VCF-style: chr5-112793498-C-A. GRCh37 (hg19) VCF-style: chr5-112129195-C-A.
Other names: c.729+969C>A (NM_001354895.2, NM_001127510.3, NM_001354896.2 and 1 more transcripts); c.759+969C>A (NM_001354897.2, NM_001354902.2); c.676-7781C>A (NM_001127511.3); c.654+969C>A (NM_001354898.2, NM_001354904.2); c.-307+969C>A (NM_001354906.2); c.646-7781C>A (NM_001354899.2); c.552+969C>A (NM_001354900.2, NM_001354901.2, NM_001354905.2).
Identifiers: ClinVar variation 83008 (VCV000083008.2), dbSNP rs79184658, ClinGen allele CA013271.